The following is an entry in ClinVar:

ClinVar aggregate classification (germline): Uncertain significance (1 of 4 stars; one submission).

Conditions:
Neonatal-onset encephalopathy with rigidity and seizures. Also called: Lethal neonatal spasticity-epileptic encephalopathy syndrome. Identifiers: Orphanet 435845, MedGen C3281029, MONDO:0013784, OMIM 614498.

Allele frequency attached by ClinVar (database versions not stated): gnomAD 0.00001; ExAC 0.00002; gnomAD exomes 0.00002; TOPMed 0.00002.
gnomAD v4.1: 28 of 1,611,348 alleles (0.0017%); highest among the groups gnomAD compares: Non-Finnish European, 0.0021%; no homozygotes.

Submission:

Labcorp Genetics (formerly Invitae), Labcorp
Classification: Uncertain significance for Neonatal-onset encephalopathy with rigidity and seizures. Last evaluated: 2021-09-01. Review status: criteria provided, single submitter. Criteria: Invitae Variant Classification Sherloc (09022015). Collection method: clinical testing. Allele origin: germline.
Comment: This sequence change replaces glutamic acid with alanine at codon 681 of the BRAT1 protein (p.Glu681Ala). The glutamic acid residue is weakly conserved and there is a moderate physicochemical difference between glutamic acid and alanine. This variant is present in population databases (rs768326465, ExAC 0.003%). This variant has not been reported in the literature in individuals affected with BRAT1-related conditions. Algorithms developed to predict the effect of missense changes on protein structure and function output the following: SIFT: "Tolerated"; PolyPhen-2: "Benign"; Align-GVGD: "Class C0". The alanine amino acid residue is found in multiple mammalian species, which suggests that this missense change does not adversely affect protein function. In summary, the available evidence is currently insufficient to determine the role of this variant in disease. Therefore, it has been classified as a Variant of Uncertain Significance.

NM_152743.4(BRAT1):c.2042A>C (p.Glu681Ala)

Gene: BRAT1 (BRCA1 associated ATM activator 1; minus strand). Cytogenetic location: 7p22.3.
Variant type: single nucleotide variant.
Coding change: c.2042A>C on transcript NM_152743.4 (MANE Select); coding-DNA position 2042, A replaced by C.
Protein change: p.Glu681Ala; replaces glutamic acid 681 with alanine.
Molecular consequence: missense variant. On other transcripts: non-coding transcript variant (1).
Genome position (GRCh38, 1-based): chr7:2,538,493, T>G on the plus strand (A>C on the coding strand, the complement: BRAT1 is on the minus strand). VCF-style: chr7-2538493-T-G. GRCh37 (hg19) VCF-style: chr7-2578127-T-G.
Other names: c.2222A>C, p.Glu741Ala (NM_001350626.2); c.1517A>C, p.Glu506Ala (NM_001350627.2); short protein forms E681A, E741A, E506A.
Identifiers: ClinVar variation 1042648 (VCV001042648.6), dbSNP rs768326465, ClinGen allele CA4127475.
Genomic context (GRCh38, chr7:2,538,493, plus strand): 5'-AAGAGCCCCACGTGGCAGAGAGCCCTCAGTGCCTCGGTGAGTGGCTGGGCTGGGGCCACC[T>G]CGGGTAGGGCCACGGCATAGGGGCAGTGGGTACGCGGCGGCCCCAAAGTCTGGCCCAGGA-3'
Protein context (NP_689956.2, residues 671-691): THCPYAVALP[Glu681Ala]VAPAQPLTEA